The following is an entry in ClinVar:

ClinVar aggregate classification (germline): Uncertain significance (1 of 4 stars; one submission).

Conditions:
Pityriasis rubra pilaris (PRP). Also called: Pityriasis rubra pilaris--familial type. Identifiers: Orphanet 2897, MedGen C0032027, MONDO:0100017, OMIM 173200, MONDO:0008251.
Psoriasis 2. Identifiers: MedGen C1864497, MONDO:0011269, OMIM 602723.

Allele frequency attached by ClinVar (database versions not stated): TOPMed 0.00001.
gnomAD v4.1: 3 of 1,581,750 alleles (0.00019%); highest among the groups gnomAD compares: Non-Finnish European, 0.00026%; no homozygotes.

Submission:

Labcorp Genetics (formerly Invitae), Labcorp
Classification: Uncertain significance for Pityriasis rubra pilaris; Psoriasis 2. Last evaluated: 2022-04-07. Review status: criteria provided, single submitter. Criteria: Invitae Variant Classification Sherloc (09022015). Collection method: clinical testing. Allele origin: germline.
Comment: This sequence change falls in intron 18 of the CARD14 gene. It does not directly change the encoded amino acid sequence of the CARD14 protein. In summary, the available evidence is currently insufficient to determine the role of this variant in disease. Therefore, it has been classified as a Variant of Uncertain Significance. Algorithms developed to predict the effect of sequence changes on RNA splicing suggest that this variant may disrupt the consensus splice site. This variant has not been reported in the literature in individuals affected with CARD14-related conditions. This variant is not present in population databases (gnomAD no frequency).

NM_001366385.1(CARD14):c.2570-13A>G

Genes: SGSH (N-sulfoglucosamine sulfohydrolase; minus strand), CARD14 (caspase recruitment domain family member 14; plus strand), LOC126862662 (MED14-independent group 3 enhancer GRCh37_chr17:78178385-78179584; plus strand). Cytogenetic location: 17q25.3.
Variant type: single nucleotide variant.
Coding change: c.2570-13A>G on transcript NM_001366385.1 (MANE Select); 13 bases into the intron before coding-DNA position 2570, A replaced by G.
Molecular consequence: intron variant.
Genome position (GRCh38, 1-based): chr17:80,205,518, A>G. VCF-style: chr17-80205518-A-G. GRCh37 (hg19) VCF-style: chr17-78179317-A-G.
Other names: c.2570-13A>G (NM_024110.4).
Identifiers: ClinVar variation 1972332 (VCV001972332.5), dbSNP rs1456071556, ClinGen allele CA986724937.
Genomic context (GRCh38, chr17:80,205,518, plus strand): 5'-GGTGTTTACCATGGGACTCCCCCAGACCCCCACACAGCTGGTCTATGATGGCCCCGTCCA[A>G]TGTCACCTGTAGAGTACTTGAGCCAGGAGGAGTATGAGGCCTGGAGCCAGAGAGGGGACA-3'